The following is an entry in ClinVar:

NM_000038.6(APC):c.834+4674A>C

Gene: APC (APC regulator of WNT signaling pathway; plus strand). Cytogenetic location: 5q22.2.
Variant type: single nucleotide variant.
Coding change: c.834+4674A>C on transcript NM_000038.6 (MANE Select); 4674 bases into the intron after coding-DNA position 834, A replaced by C.
Molecular consequence: intron variant.
Genome position (GRCh38, 1-based): chr5:112,806,057, A>C. VCF-style: chr5-112806057-A-C. GRCh37 (hg19) VCF-style: chr5-112141754-A-C.
Other names: c.834+4674A>C (NM_001354895.2, NM_001127510.3, NM_001354896.2 and 1 more transcripts); c.864+4674A>C (NM_001354897.2, NM_001354902.2); c.780+4674A>C (NM_001127511.3); c.759+4674A>C (NM_001354898.2, NM_001354904.2); c.-201-4069A>C (NM_001354906.2); c.750+4674A>C (NM_001354899.2); c.657+4674A>C (NM_001354900.2, NM_001354901.2, NM_001354905.2).
Identifiers: ClinVar variation 83060 (VCV000083060.2), dbSNP rs75784685, ClinGen allele CA014819.
Genomic context (GRCh38, chr5:112,806,057, plus strand): 5'-TCTCACACCTCCACACTGGCCTTCTCTCAGTACCTCATATTTACTGGGCCTTCTCCTACC[A>C]CAGCCTGTGCACATCTATACCTGTTCCATGTAGTGTTTGTTTCATCCCATTTTGCTCAGT-3'

ClinVar aggregate classification (germline): other (0 of 4 stars; one submission).

Conditions:
Familial colorectal cancer. Identifiers: MedGen CN280943, MONDO:0023113. Disease mechanism: loss of function.

Submission:

Systems Biology Platform Zhejiang California International NanoSystems Institute
Classification: other for Familial colorectal cancer. Review status: no assertion criteria provided. Collection method: not provided. Allele origin: unknown.
ClinVar note: Converted during submission from cancer to other.